The following is an entry in ClinVar:

NM_130384.3(ATRIP):c.589G>T (p.Ala197Ser)

Genes: ATRIP (ATR interacting protein; plus strand), ATRIP-TREX1 (ATRIP-TREX1 readthrough; plus strand). Cytogenetic location: 3p21.31.
Variant type: single nucleotide variant.
Coding change: c.589G>T on transcript NM_130384.3 (MANE Select); coding-DNA position 589, G replaced by T.
Protein change: p.Ala197Ser; replaces alanine 197 with serine.
Molecular consequence: missense variant. On other transcripts: non-coding transcript variant (1).
Genome position (GRCh38, 1-based): chr3:48,454,336, G>T. VCF-style: chr3-48454336-G-T. GRCh37 (hg19) VCF-style: chr3-48495736-G-T.
Other names: c.208G>T, p.Ala70Ser (NM_001271022.2); c.310G>T, p.Ala104Ser (NM_001271023.2); c.589G>T, p.Ala197Ser (NM_032166.4); short protein forms A70S, A197S, A104S.
Identifiers: ClinVar variation 3809287 (VCV003809287.1).

ClinVar aggregate classification (germline): Uncertain significance (1 of 4 stars; one submission).

Submission:

Ambry Genetics
Classification: Uncertain significance. Last evaluated: 2024-12-25. Review status: criteria provided, single submitter. Criteria: Ambry Variant Classification Scheme 2023. Collection method: clinical testing. Allele origin: germline.
Comment: The p.A197S variant (also known as c.589G>T), located in coding exon 4 of the ATRIP gene, results from a G to T substitution at nucleotide position 589. The alanine at codon 197 is replaced by serine, an amino acid with similar properties. This amino acid position is conserved. In addition, the in silico prediction for this alteration is inconclusive. Based on the available evidence, the clinical significance of this variant remains unclear.